The following is an entry in ClinVar:

ClinVar aggregate classification (germline): Likely benign (0 of 4 stars; one submission).

Conditions:
UNC50-related disorder. Also called: UNC50-related condition.

Allele frequency attached by ClinVar (database versions not stated): 1000 Genomes Project 30x 0.00016; TOPMed 0.00047; gnomAD 0.00048; ExAC 0.00049; gnomAD exomes 0.00055; ESP Exome Variant Server 0.00062.
gnomAD v4.1: 857 of 1,609,646 alleles (0.053%); highest among the groups gnomAD compares: Middle Eastern, 0.066%; 4 homozygotes.

Submission:

PreventionGenetics, part of Exact Sciences
Classification: Likely benign for UNC50-related condition. Last evaluated: 2019-07-10. Review status: no assertion criteria provided. Collection method: clinical testing. Allele origin: germline.
Comment: This variant is classified as likely benign based on ACMG/AMP sequence variant interpretation guidelines (Richards et al. 2015 PMID: 25741868, with internal and published modifications).

NM_014044.7(UNC50):c.696G>A (p.Leu232=)

Gene: UNC50 (unc-50 inner nuclear membrane RNA binding protein; plus strand). Cytogenetic location: 2q11.2.
Variant type: single nucleotide variant.
Coding change: c.696G>A on transcript NM_014044.7 (MANE Select); coding-DNA position 696, G replaced by A.
Protein change: p.Leu232=; no amino-acid change (leucine 232 retained).
Molecular consequence: synonymous variant. On other transcripts: missense variant (1).
Genome position (GRCh38, 1-based): chr2:98,618,220, G>A. VCF-style: chr2-98618220-G-A. GRCh37 (hg19) VCF-style: chr2-99234683-G-A.
Other names: c.718G>A, p.Asp240Asn (NM_001330353.2); c.747G>A, p.Leu249= (NM_001330354.2); short protein forms D240N.
Identifiers: ClinVar variation 3049710 (VCV003049710.2), dbSNP rs139454862, ClinGen allele CA1795401.